The following is an entry in ClinVar:

ClinVar aggregate classification (germline): Uncertain significance (1 of 4 stars; one submission).

Submission:

GeneDx
Classification: Uncertain significance. Last evaluated: 2021-01-29. Review status: criteria provided, single submitter. Criteria: GeneDx Variant Classification Process June 2021. Collection method: clinical testing. Allele origin: germline. Affected: yes.
Comment: Not observed in large population cohorts (Lek et al., 2016); In silico analysis supports that this missense variant has a deleterious effect on protein structure/function; Has not been previously published as pathogenic or benign to our knowledge

NM_021942.6(TRAPPC11):c.1364T>C (p.Leu455Pro)

Gene: TRAPPC11 (trafficking protein particle complex subunit 11; plus strand). Cytogenetic location: 4q35.1.
Variant type: single nucleotide variant.
Coding change: c.1364T>C on transcript NM_021942.6 (MANE Select); coding-DNA position 1364, T replaced by C.
Protein change: p.Leu455Pro; replaces leucine 455 with proline.
Molecular consequence: missense variant.
Genome position (GRCh38, 1-based): chr4:183,684,221, T>C. VCF-style: chr4-183684221-T-C. GRCh37 (hg19) VCF-style: chr4-184605374-T-C.
Other names: c.1364T>C, p.Leu455Pro (NM_199053.3); short protein forms L455P.
Identifiers: ClinVar variation 1313383 (VCV001313383.2), dbSNP rs2111363123, ClinGen allele CA358866693.